The following is an entry in ClinVar:

ClinVar aggregate classification (germline): Uncertain significance (1 of 4 stars; one submission).

gnomAD v4.1: 3 of 1,613,274 alleles (0.00019%); highest among the groups gnomAD compares: Non-Finnish European, 0.00017%; no homozygotes.

Submission:

Labcorp Genetics (formerly Invitae), Labcorp
Classification: Uncertain significance. Last evaluated: 2025-03-25. Review status: criteria provided, single submitter. Criteria: Invitae Variant Classification Sherloc (09022015). Collection method: clinical testing. Allele origin: germline.
Comment: This sequence change replaces proline, which is neutral and non-polar, with threonine, which is neutral and polar, at codon 752 of the COL11A1 protein (p.Pro752Thr). This variant is not present in population databases (gnomAD no frequency). This variant has not been reported in the literature in individuals affected with COL11A1-related conditions. Invitae Evidence Modeling of protein sequence and biophysical properties (such as structural, functional, and spatial information, amino acid conservation, physicochemical variation, residue mobility, and thermodynamic stability) indicates that this missense variant is not expected to disrupt COL11A1 protein function with a negative predictive value of 80%. In summary, the available evidence is currently insufficient to determine the role of this variant in disease. Therefore, it has been classified as a Variant of Uncertain Significance.

NM_001854.4(COL11A1):c.2254C>A (p.Pro752Thr)

Gene: COL11A1 (collagen type XI alpha 1 chain; minus strand). Cytogenetic location: 1p21.1.
Variant type: single nucleotide variant.
Coding change: c.2254C>A on transcript NM_001854.4 (MANE Select); coding-DNA position 2254, C replaced by A.
Protein change: p.Pro752Thr; replaces proline 752 with threonine.
Molecular consequence: missense variant. On other transcripts: non-coding transcript variant (1).
Genome position (GRCh38, 1-based): chr1:102,996,030, G>T on the plus strand (C>A on the coding strand, the complement: COL11A1 is on the minus strand). VCF-style: chr1-102996030-G-T. GRCh37 (hg19) VCF-style: chr1-103461586-G-T.
Other names: c.2137C>A, p.Pro713Thr (NM_001190709.2); c.2290C>A, p.Pro764Thr (NM_080629.3); c.1906C>A, p.Pro636Thr (NM_080630.4); short protein forms P764T, P713T, P636T, P752T.
Identifiers: ClinVar variation 4777336 (VCV004777336.1).